The following is an entry in ClinVar:

NM_145166.4(ZBTB47):c.1356del (p.Lys453fs)

Gene: ZBTB47 (zinc finger and BTB domain containing 47; plus strand). Cytogenetic location: 3p22.1.
Variant type: Deletion.
Coding change: c.1356del on transcript NM_145166.4 (MANE Select); coding-DNA position 1356, one base deleted (G; older notation c.1356delG).
Protein change: p.Lys453fs; shifts the reading frame from lysine 453.
Molecular consequence: frameshift variant.
Genome position (GRCh38, 1-based): chr3:42,659,711, G deleted. VCF-style (leftmost placement, unchanged base first): chr3-42659710-AG-A. GRCh37 (hg19) VCF-style: chr3-42701202-AG-A.
Other names: c.1440del, p.Lys481fs (NM_001410746.1); short protein forms K453fs, K481fs.
Identifiers: ClinVar variation 3906576 (VCV003906576.2).

ClinVar aggregate classification (germline): Uncertain significance (1 of 4 stars; one submission).

Submission:

GeneDx
Classification: Uncertain significance. Last evaluated: 2026-09-29. Review status: criteria provided, single submitter. Criteria: GeneDx Variant Classification Process June 2021. Collection method: clinical testing. Allele origin: germline.
Comment: Not observed at significant frequency in large population cohorts (gnomAD); Frameshift variant predicted to result in protein truncation or nonsense mediated decay in a gene for which loss-of-function is not a known mechanism of disease; Has not been previously published as pathogenic or benign to our knowledge